The following is an entry in ClinVar:

NM_000815.5(GABRD):c.463A>C (p.Ser155Arg)

Gene: GABRD (gamma-aminobutyric acid type A receptor subunit delta; plus strand). Cytogenetic location: 1p36.33.
Variant type: single nucleotide variant.
Coding change: c.463A>C on transcript NM_000815.5 (MANE Select); coding-DNA position 463, A replaced by C.
Protein change: p.Ser155Arg; replaces serine 155 with arginine.
Molecular consequence: missense variant.
Genome position (GRCh38, 1-based): chr1:2,025,731, A>C. VCF-style: chr1-2025731-A-C. GRCh37 (hg19) VCF-style: chr1-1957170-A-C.
Other names: short protein forms S155R.
Identifiers: ClinVar variation 4983062 (VCV004983062.1).

ClinVar aggregate classification (germline): Uncertain significance (1 of 4 stars; one submission).

Conditions:
GABRD-related disorder. Also called: GABRD-related condition.

Submission:

PreventionGenetics, part of Exact Sciences
Classification: Uncertain significance for GABRD-related condition. Last evaluated: 2026-06-17. Review status: criteria provided, single submitter. Criteria: ACMG Guidelines, 2015. Collection method: clinical testing. Allele origin: germline.
Comment: The GABRD c.463A>C variant is predicted to result in the amino acid substitution p.Ser155Arg. To our knowledge, this variant has not been reported in the literature or in a large population database (gnomAD), indicating this variant is rare. At this time, the clinical significance of this variant is uncertain due to the absence of conclusive functional and genetic evidence.